The following is an entry in ClinVar:

ClinVar aggregate classification (germline): Uncertain significance (1 of 4 stars; one submission).

Allele frequency attached by ClinVar (database versions not stated): TOPMed below 0.00001; gnomAD 0.00001.
gnomAD v4.1: 1 of 1,613,534 alleles (0.000062%); no homozygotes.

Submission:

Labcorp Genetics (formerly Invitae), Labcorp
Classification: Uncertain significance. Last evaluated: 2022-08-03. Review status: criteria provided, single submitter. Criteria: Invitae Variant Classification Sherloc (09022015). Collection method: clinical testing. Allele origin: germline.
Comment: This variant has not been reported in the literature in individuals affected with RPL19-related conditions. This sequence change replaces lysine, which is basic and polar, with glutamic acid, which is acidic and polar, at codon 21 of the RPL19 protein (p.Lys21Glu). This variant is not present in population databases (gnomAD no frequency). Algorithms developed to predict the effect of missense changes on protein structure and function are either unavailable or do not agree on the potential impact of this missense change (SIFT: "Deleterious"; PolyPhen-2: "Possibly Damaging"; Align-GVGD: "Class C0"). In summary, the available evidence is currently insufficient to determine the role of this variant in disease. Therefore, it has been classified as a Variant of Uncertain Significance.

NM_000981.4(RPL19):c.61A>G (p.Lys21Glu)

Gene: RPL19 (ribosomal protein L19; plus strand). Cytogenetic location: 17q12.
Variant type: single nucleotide variant.
Coding change: c.61A>G on transcript NM_000981.4 (MANE Select); coding-DNA position 61, A replaced by G.
Protein change: p.Lys21Glu; replaces lysine 21 with glutamic acid.
Molecular consequence: missense variant.
Genome position (GRCh38, 1-based): chr17:39,201,268, A>G. VCF-style: chr17-39201268-A-G. GRCh37 (hg19) VCF-style: chr17-37357521-A-G.
Other names: c.55A>G, p.Lys19Glu (NM_001330200.1); short protein forms K19E, K21E.
Identifiers: ClinVar variation 1988388 (VCV001988388.4), dbSNP rs1168491573, ClinGen allele CA398834599.
Genomic context (GRCh38, chr17:39,201,268, plus strand): 5'-TCTAGTATGCTCAGGCTTCAGAAGAGGCTCGCCTCTAGTGTCCTCCGCTGTGGCAAGAAG[A>G]AGGTCTGGTTAGACCCCAATGAGACCAATGAAATCGCCAATGCCAACTCCCGTGAGTACC-3'
Protein context (NP_000972.1, residues 11-31): ASSVLRCGKK[Lys21Glu]VWLDPNETNE